The following is an entry in ClinVar:

NM_000540.3(RYR1):c.12218C>G (p.Ser4073Cys)

Gene: RYR1 (ryanodine receptor 1; plus strand). Cytogenetic location: 19q13.2.
Variant type: single nucleotide variant.
Coding change: c.12218C>G on transcript NM_000540.3 (MANE Select); coding-DNA position 12218, C replaced by G.
Protein change: p.Ser4073Cys; replaces serine 4073 with cysteine.
Molecular consequence: missense variant.
Genome position (GRCh38, 1-based): chr19:38,548,356, C>G. VCF-style: chr19-38548356-C-G. GRCh37 (hg19) VCF-style: chr19-39038996-C-G.
Other names: c.12203C>G, p.Ser4068Cys (NM_001042723.2); short protein forms S4068C, S4073C.
Identifiers: ClinVar variation 3377422 (VCV003377422.1).

ClinVar aggregate classification (germline): Uncertain significance (1 of 4 stars; one submission).

Conditions:
RYR1-related myopathy. Identifiers: Orphanet 98742, MedGen CN305348, MONDO:0100150.

Submission:

Victorian Clinical Genetics Services, Murdoch Childrens Research Institute
Classification: Uncertain significance for RYR1-related myopathy. Last evaluated: 2020-05-26. Review status: criteria provided, single submitter. Criteria: ACMG Guidelines, 2015. Collection method: clinical testing. Allele origin: germline. Affected: yes.
Comment: Based on the classification scheme VCGS_Germline_v1.1.1, this variant is classified as 3B-VUS. Following criteria are met: 0103 - Both loss- and gain-of-function are known mechanisms of disease for this gene (PMID: 23919265). (N) 0108 - This gene is known to be associated with both recessive and dominant disease (PMID: 23919265). (N) 0200 - Variant is predicted to result in a missense amino acid change from serine to cysteine (exon 89). (N) 0251 - Variant is heterozygous. (N) 0301 - Variant is absent from gnomAD. (P) 0309 - An alternative amino acid change at the same position has been observed in gnomAD (1 Heterozygous, 0 Homozygous). (N) 0501 - Missense variant consistently predicted to be highly conserved with a major amino acid change. (P) 0604 - Variant is not located in an established domain, motif, hotspot or informative constraint region. (N) 0705 - No comparable variants have previous evidence for pathogenicity. (N) 0807 - Variant has not previously been reported in a clinical context. (N) 0905 - No segregation evidence has been identified for this variant. (N) 1007 - No published functional evidence has been identified for this variant. (N) 1208 - Segregation information for this variant is not currently available. (N) Legend: (P) - Pathogenic, (N) - Neutral, (B) - Benign

Literature cited by the submitters: PubMed 23919265.